The following is an entry in ClinVar:

NM_000059.4(BRCA2):c.8293T>G (p.Cys2765Gly)

Gene: BRCA2 (BRCA2 DNA repair associated; plus strand). Cytogenetic location: 13q13.1.
Variant type: single nucleotide variant.
Coding change: c.8293T>G on transcript NM_000059.4 (MANE Select); coding-DNA position 8293, T replaced by G.
Protein change: p.Cys2765Gly; replaces cysteine 2765 with glycine.
Molecular consequence: missense variant.
Genome position (GRCh38, 1-based): chr13:32,363,495, T>G. VCF-style: chr13-32363495-T-G. GRCh37 (hg19) VCF-style: chr13-32937632-T-G.
Other names: 8521T>G; short protein forms C2765G.
Identifiers: ClinVar variation 186355 (VCV000186355.30), dbSNP rs768247528, ClinGen allele CA025552.

ClinVar aggregate classification (germline): Conflicting classifications of pathogenicity. Review status: criteria provided, conflicting classifications (1 of 4 stars). 11 submissions from 11 submitters: Uncertain significance (7); Likely benign (2). 2 of the submissions do not count toward it. Last evaluated 2025-12-18.

Conditions:
Hereditary breast ovarian cancer syndrome. Also called: Hereditary breast and ovarian cancer; Hereditary breast and ovarian cancer syndrome; Breast and ovarian cancer; Hereditary breast and ovarian cancer syndrome (HBOC); Hereditary breast and/or ovarian cancer syndrome; BRCA1- and BRCA2-Associated Hereditary Breast and Ovarian Cancer. Identifiers: Orphanet 145, MedGen C0677776, MeSH D061325, MONDO:0003582. Disease mechanism: loss of function.
Hereditary cancer-predisposing syndrome. Also called: Hereditary Cancer Syndrome; Neoplastic Syndromes, Hereditary; Tumor predisposition; Hereditary neoplastic syndrome. Identifiers: Orphanet 140162, MedGen C0027672, MeSH D009386, MONDO:0015356.
Breast-ovarian cancer, familial, susceptibility to, 2 (BROVCA2). Also called: BRCA2 Hereditary Breast and Ovarian Cancer. Identifiers: Orphanet 145, MedGen C2675520, MONDO:0012933, OMIM 612555. Disease mechanism: loss of function.
Familial cancer of breast. Also called: BREAST CANCER, FAMILIAL; Hereditary breast cancer; hereditary breast carcinoma. Identifiers: Orphanet 227535, MedGen C0346153, MONDO:0016419, OMIM 114480. Disease mechanism: loss of function.

Allele frequency attached by ClinVar (database versions not stated): gnomAD 0.00001; gnomAD exomes 0.00001; TOPMed 0.00001; ExAC 0.00002.
gnomAD v4.1: 4 of 1,614,012 alleles (0.00025%); highest among the groups gnomAD compares: African/African-American, 0.0053%; no homozygotes.

Submissions (11):

Labcorp Genetics (formerly Invitae), Labcorp
Classification: Uncertain significance for Hereditary breast ovarian cancer syndrome. Last evaluated: 2025-12-18. Review status: criteria provided, single submitter. Criteria: Invitae Variant Classification Sherloc (09022015). Collection method: clinical testing. Allele origin: germline.
Comment: This sequence change replaces cysteine, which is neutral and slightly polar, with glycine, which is neutral and non-polar, at codon 2765 of the BRCA2 protein (p.Cys2765Gly). This variant is present in population databases (rs768247528, gnomAD 0.02%). This missense change has been observed in individual(s) with renal clear cell carcinoma (PMID: 26689913). ClinVar contains an entry for this variant (Variation ID: 186355). Invitae Evidence Modeling of protein sequence and biophysical properties (such as structural, functional, and spatial information, amino acid conservation, physicochemical variation, residue mobility, and thermodynamic stability) has been performed for this missense variant. However, the output from this modeling did not meet the statistical confidence thresholds required to predict the impact of this variant on BRCA2 protein function. Experimental studies have shown that this missense change does not substantially affect BRCA2 function (PMID: 35736817, 37713444). In summary, the available evidence is currently insufficient to determine the role of this variant in disease. Therefore, it has been classified as a Variant of Uncertain Significance.

Women's Health and Genetics/Laboratory Corporation of America, LabCorp
Classification: Likely benign. Last evaluated: 2024-03-28. Review status: criteria provided, single submitter. Criteria: LabCorp Variant Classification Summary - May 2015. Collection method: clinical testing. Allele origin: germline.
Comment: Variant summary: BRCA2 c.8293T>G (p.Cys2765Gly) results in a non-conservative amino acid change located in the BRCA2, OB1 domain (IPR015187) of the encoded protein sequence. Five of five in-silico tools predict a damaging effect of the variant on protein function. The variant allele was found at a frequency of 8e-06 in 248566 control chromosomes. The available data on variant occurrences in the general population are insufficient to allow any conclusion about variant significance. c.8293T>G has been reported in the literature in one individual affected with kidney renal clear cell carcinoma among 4,034 cases from The Cancer Genome Atlas cancer(Lu_2015). These report(s) do not provide unequivocal conclusions about association of the variant with Hereditary Breast And Ovarian Cancer Syndrome. At least one recent publication reports experimental evidence evaluating an impact on protein function (Sahu_2023). These results showed no damaging effect of this variant on homology directed repair (HDR) utilizing a statistical classifier based on cell fitness and their response to cisplatin and olaparib (lack of sensitivity to cisplatin and olaparib). Additionally other variants at the same codon, namely p.Cys2765Arg and p.Cys2765Ser are also categorized as functional and do not exhibit sensitivity to cisplatin and olaparib supporting a toleration for variants located at this codon. The following publications have been ascertained in the context of this evaluation (PMID: 26689913, 37713444). The ClinGen Sequence Variant Interpretation (SVI) working group has recommended strong functional evidence (ACMG BS3) as sufficient weightage for categorization as likely benign (Tavtigian_2018). ClinVar contains an entry for this variant (Variation ID: 186355). Based on the evidence outlined above, the variant was classified as likely benign.

Baylor Genetics
Classification: Uncertain significance for Familial cancer of breast. Last evaluated: 2023-11-04. Review status: criteria provided, single submitter. Criteria: ACMG Guidelines, 2015. Collection method: clinical testing. Allele origin: unknown.

All of Us Research Program, National Institutes of Health
Classification: Uncertain significance for Breast-ovarian cancer, familial, susceptibility to, 2. Last evaluated: 2023-08-15. Review status: criteria provided, single submitter. Criteria: ACMG Guidelines, 2015. Collection method: clinical testing. Allele origin: germline. Inheritance: Autosomal dominant inheritance. Observed: 1 variant allele, 1 heterozygote.
Comment: This missense variant replaces cysteine with glycine at codon 2765 of the BRCA2 protein. Computational prediction suggests that this variant may have deleterious impact on protein structure and function (internally defined REVEL score threshold >= 0.7, PMID: 27666373). A functional study has shown this variant does not impact homology-directed DNA repair activity (PMID: 35736817). This variant has been reported in individuals affected with renal cancer (PMID: 26689913, 37430226). This variant has been identified in 2/248566 chromosomes in the general population by the Genome Aggregation Database (gnomAD). The available evidence is insufficient to determine the role of this variant in disease conclusively. Therefore, this variant is classified as a Variant of Uncertain Significance.

This study involves interpretation of variants in research participants for the purpose of population health screening. Participant phenotype was not available at the time of variant classification. Additional details can be found in publication PMID: 35346344, PMCID: PMC8962531

GeneDx
Classification: Uncertain significance. Last evaluated: 2023-08-15. Review status: criteria provided, single submitter. Criteria: GeneDx Variant Classification Process June 2021. Collection method: clinical testing. Allele origin: germline. Affected: yes.
Comment: In silico analysis supports that this missense variant has a deleterious effect on protein structure/function; Not observed at significant frequency in large population cohorts (gnomAD); Published functional studies demonstrate no damaging effect: homology-directed repair activity comparable to wild-type (Hu et al., 2022); Also known as 8521T>G; This variant is associated with the following publications: (PMID: 29884841, 32377563, 12228710, 26689913, 31853058, 35736817)

Quest Diagnostics Nichols Institute San Juan Capistrano
Classification: Uncertain significance. Last evaluated: 2023-01-05. Review status: criteria provided, single submitter. Criteria: Quest Diagnostics criteria. Collection method: clinical testing. Allele origin: unknown.
Comment: The frequency of this variant in the general population, 0.000008 (2/248566 chromosomes), is uninformative in assessment of its pathogenicity. In the published literature, the variant has been reported in an individual with kidney renal clear cell carcinoma (PMID: 26689913 (2015)). Analysis of this variant using bioinformatics tools for the prediction of the effect of amino acid changes on protein structure and function yielded predictions that this variant is damaging. Based on the available information, we are unable to determine the clinical significance of this variant.

Ambry Genetics
Classification: Likely benign for Hereditary cancer-predisposing syndrome. Last evaluated: 2022-01-09. Review status: criteria provided, single submitter. Criteria: Ambry Variant Classification Scheme 2023. Collection method: clinical testing. Allele origin: germline.

Sema4
Classification: Uncertain significance for Hereditary cancer-predisposing syndrome. Last evaluated: 2021-12-09. Review status: criteria provided, single submitter. Criteria: Sema4 Curation Guidelines. Collection method: curation. Allele origin: germline.
Comment: The BRCA2 c.8293T>G (p.C2765G) variant has been reported in one individual with kidney renal clear cell carcinoma (PMID: 26689913). It was observed in 2/16248 chromosomes of the African/African American subpopulation, in the large and broad cohorts of the Genome Aggregation Database (PMID: 32461654). The variant has been reported in ClinVar (Variation ID 186355). In silico tools suggest the impact of the variant on protein function is deleterious, though these predictions have not been confirmed by functional studies The evidence is insufficient to meet ACMG/AMP criteria for classifying the variant as benign or pathogenic. Thus, the clinical significance of this variant is currently uncertain.

St. Jude Molecular Pathology, St. Jude Children's Research Hospital
Classification: Uncertain significance for Hereditary breast ovarian cancer syndrome. Last evaluated: 2021-05-27. Review status: criteria provided, single submitter. Criteria: St. Jude Assertion Criteria 2020. Collection method: clinical testing. Allele origin: germline.
Comment: The BRCA2 c.8293T>G (p.Cys2765Gly) missense change has a maximum subpopulation frequency of 0.012% in gnomAD v2.1.1 (PM2_Supporting). Six of seven in silico tools predict a deleterious effect of this variant on protein function (PP3), but to our knowledge these predictions have not been confirmed by functional assays. This variant is absent in the FLOSSIES database which contains genetic variants from women older than 70 years of age who have never had cancer. It has also been identified in an individual with kidney renal clear cell carcinoma (PMID: 29684080). In summary, this variant meets criteria to be classified as of uncertain significance based on the ACMG/AMP criteria: PM2_Supporting, PP3.

Counsyl
Classification: Uncertain significance for Breast-ovarian cancer, familial, susceptibility to, 2. Last evaluated: 2017-10-27. Review status: no assertion criteria provided. Collection method: clinical testing. Allele origin: unknown. Not counted in ClinVar's aggregate classification.

Sharing Clinical Reports Project (SCRP)
Classification: Uncertain significance for Breast-ovarian cancer, familial 2. Last evaluated: 2013-07-01. Review status: no assertion criteria provided. Collection method: clinical testing. Allele origin: germline. Not counted in ClinVar's aggregate classification.

Literature cited by the submitters: PubMed 26689913 (cited by 7 submitters); PubMed 35736817 (cited by Labcorp Genetics (formerly Invitae), Labcorp and All of Us Research Program, National Institutes of Health); PubMed 37713444 (cited by Labcorp Genetics (formerly Invitae), Labcorp and Women's Health and Genetics/Laboratory Corporation of America, LabCorp); PubMed 37430226 (cited by All of Us Research Program, National Institutes of Health).